The following is an entry in ClinVar:

NC_012920.1(MT-ND4):m.10791T>C

Gene: MT-ND4 (mitochondrially encoded NADH dehydrogenase 4; plus strand).
Variant type: single nucleotide variant.
Genome position: chrM-10791-T-C.
Identifiers: ClinVar variation 693318 (VCV000693318.1), dbSNP rs1603222973, ClinGen allele CA414806881.
Genomic context (GRCh38, chrMT:10,791, plus strand): 5'-GACTACGTACATAACCTAAACCTACTCCAATGCTAAAACTAATCGTCCCAACAATTATAT[T>C]ACTACCACTGACATGACTTTCCAAAAAACACATAATTTGAATCAACACAACCACCCACAG-3'

ClinVar aggregate classification (germline): Uncertain significance (1 of 4 stars; one submission).

Conditions:
Leigh syndrome (NULS). Also called: Leigh's necrotizing encephalopathy; Leigh's disease; Leigh Syndrome (mtDNA deletion); Leigh Disease; Subacute necrotizing encephalopathy; Necrotizing encephalopathy infantile subacute of Leigh. Identifiers: Orphanet 506, MedGen C2931891, MONDO:0009723, OMIM 256000.

Submission:

Wong Mito Lab, Molecular and Human Genetics, Baylor College of Medicine
Classification: Uncertain significance for Leigh syndrome. Last evaluated: 2019-10-17. Review status: criteria provided, single submitter. Criteria: Modified ACMG Guidelines (Unpublished). Collection method: clinical testing. Allele origin: germline.
Comment: The NC_012920.1:m.10791T>C (YP_003024035.1:p.Leu11Ser) variant in MTND4 gene is interpretated to be a Uncertain Significance variant based on the modified ACMG guidelines (unpublished). This variant meets the following evidence codes: PP3, PP7, BP5